The following is an entry in ClinVar:

ClinVar aggregate classification (germline): Uncertain significance. Review status: criteria provided, multiple submitters, no conflicts (2 of 4 stars). 3 submissions from 3 submitters: Uncertain significance (3). Last evaluated 2026-07-07.

Conditions:
Hereditary cancer-predisposing syndrome. Also called: Tumor predisposition; Hereditary Cancer Syndrome; Hereditary neoplastic syndrome; Neoplastic Syndromes, Hereditary. Identifiers: Orphanet 140162, MedGen C0027672, MeSH D009386, MONDO:0015356.

Submissions (3):

Ambry Genetics
Classification: Uncertain significance for Hereditary cancer-predisposing syndrome. Last evaluated: 2026-07-07. Review status: criteria provided, single submitter. Criteria: Ambry Variant Classification Scheme 2023. Collection method: clinical testing. Allele origin: germline.
Comment: The p.M535V variant (also known as c.1603A>G), located in coding exon 11 of the MSH3 gene, results from an A to G substitution at nucleotide position 1603. The methionine at codon 535 is replaced by valine, an amino acid with highly similar properties. This amino acid position is conserved. In addition, the in silico prediction for this alteration is inconclusive. Based on the available evidence, the clinical significance of this variant remains unclear.

Labcorp Genetics (formerly Invitae), Labcorp
Classification: Uncertain significance. Last evaluated: 2024-05-29. Review status: criteria provided, single submitter. Criteria: Invitae Variant Classification Sherloc (09022015). Collection method: clinical testing. Allele origin: germline.
Comment: This sequence change replaces methionine, which is neutral and non-polar, with valine, which is neutral and non-polar, at codon 535 of the MSH3 protein (p.Met535Val). This variant is not present in population databases (gnomAD no frequency). This variant has not been reported in the literature in individuals affected with MSH3-related conditions. ClinVar contains an entry for this variant (Variation ID: 1035798). An algorithm developed to predict the effect of missense changes on protein structure and function (PolyPhen-2) suggests that this variant is likely to be tolerated. In summary, the available evidence is currently insufficient to determine the role of this variant in disease. Therefore, it has been classified as a Variant of Uncertain Significance.

Quest Diagnostics Nichols Institute San Juan Capistrano
Classification: Uncertain significance. Last evaluated: 2024-01-29. Review status: criteria provided, single submitter. Criteria: Quest Diagnostics criteria. Collection method: clinical testing. Allele origin: unknown.
Comment: The MSH3 c.1603A>G (p.Met535Val) variant has not been reported in individuals with MSH3-related conditions in the published literature. It also has not been reported in large, multi-ethnic general populations (Genome Aggregation Database). Analysis of this variant using bioinformatics tools for the prediction of the effect of amino acid changes on protein structure and function yielded conflicting predictions that this variant is benign or damaging. Based on the available information, we are unable to determine the clinical significance of this variant.

NM_002439.5(MSH3):c.1603A>G (p.Met535Val)

Gene: MSH3 (mutS homolog 3; plus strand). Cytogenetic location: 5q14.1.
Variant type: single nucleotide variant.
Coding change: c.1603A>G on transcript NM_002439.5 (MANE Select); coding-DNA position 1603, A replaced by G.
Protein change: p.Met535Val; replaces methionine 535 with valine.
Molecular consequence: missense variant.
Genome position (GRCh38, 1-based): chr5:80,741,498, A>G. VCF-style: chr5-80741498-A-G. GRCh37 (hg19) VCF-style: chr5-80037317-A-G.
Other names: c.1603A>G (NM_002439.4, NM_002439.3); short protein forms M535V.
Identifiers: ClinVar variation 1035798 (VCV001035798.10), dbSNP rs1475486581, ClinGen allele CA360274492.